The following is an entry in ClinVar:

ClinVar aggregate classification (germline): Pathogenic (1 of 4 stars; one submission).

Conditions:
Familial thoracic aortic aneurysm and aortic dissection (TAAD). Also called: Thoracic aortic aneurysms and dissections. Identifiers: Orphanet 91387, MedGen C4707243, MONDO:0019625.
Marfan syndrome (MFS). Also called: Marfan syndrome type 1; Marfan's syndrome; Marfan syndrome, classic; MARFAN SYNDROME, TYPE I; FBN1-Related Marfan Syndrome. Identifiers: Orphanet 284963, Orphanet 558, MedGen C0024796, MONDO:0007947, OMIM 154700.

Submission:

Labcorp Genetics (formerly Invitae), Labcorp
Classification: Pathogenic for Marfan syndrome; Familial thoracic aortic aneurysm and aortic dissection. Last evaluated: 2020-08-19. Review status: criteria provided, single submitter. Criteria: Invitae Variant Classification Sherloc (09022015). Collection method: clinical testing. Allele origin: germline.
Comment: This variant is an out-of-frame deletion of the genomic region encompassing exon(s) 61-64 of the FBN1 gene. This is expected to create a premature translational stop signal and result in an absent or disrupted protein product. This variant has not been reported in the literature in individuals with FBN1-related conditions. Loss-of-function variants in FBN1 are known to be pathogenic (PMID: 17657824, 19293843). For these reasons, this variant has been classified as Pathogenic.

Literature cited by the submitters: PubMed 17657824; PubMed 19293843.

NC_000015.9:g.(?_48707358)_(48714275_?)del

Gene: FBN1 (fibrillin 1; minus strand). Cytogenetic location: 15q21.1.
Variant type: Deletion.
Identifiers: ClinVar variation 1075897 (VCV001075897.5).